The following is an entry in ClinVar:

NM_000091.5(COL4A3):c.1150G>A (p.Gly384Arg)

Genes: COL4A3 (collagen type IV alpha 3 chain; plus strand), MFF-DT (MFF divergent transcript; minus strand). Cytogenetic location: 2q36.3.
Variant type: single nucleotide variant.
Coding change: c.1150G>A on transcript NM_000091.5 (MANE Select); coding-DNA position 1150, G replaced by A.
Protein change: p.Gly384Arg; replaces glycine 384 with arginine.
Molecular consequence: missense variant.
Genome position (GRCh38, 1-based): chr2:227,261,117, G>A. VCF-style: chr2-227261117-G-A. GRCh37 (hg19) VCF-style: chr2-228125833-G-A.
Other names: short protein forms G384R.
Identifiers: ClinVar variation 2577108 (VCV002577108.3), dbSNP rs2070534871, ClinGen allele CA350868656.

ClinVar aggregate classification (germline): Conflicting classifications of pathogenicity. Review status: criteria provided, conflicting classifications (1 of 4 stars). 3 submissions from 3 submitters: Likely pathogenic (2); Uncertain significance (1). Last evaluated 2025-05-08.

Conditions:
Alport syndrome 3b, autosomal recessive. Identifiers: MedGen C5882699, MONDO:0957811, OMIM 620536.
Autosomal dominant Alport syndrome (ATS3A). Also called: Alport syndrome dominant type; Renal failure and sensorineural hearing loss; ALPORT SYNDROME 3A, AUTOSOMAL DOMINANT. Identifiers: Orphanet 63, Orphanet 88918, MedGen C5882663, MONDO:0007086, OMIM 104200.
Autosomal recessive Alport syndrome (ATS2). Also called: COL4A4 Alport Syndrome and Thin Basement Membrane Nephropathy; ALPORT SYNDROME 2, AUTOSOMAL RECESSIVE; Alport syndrome type 2; COL4A3-Related Nephropathy. Identifiers: Orphanet 63, Orphanet 88919, MedGen C4746745, MONDO:0008762, OMIM 203780.

Submissions (3):

Variantyx, Inc.
Classification: Likely pathogenic for Alport syndrome 3b, autosomal recessive. Last evaluated: 2025-05-08. Review status: criteria provided, single submitter. Criteria: Variantyx Assertion Criteria 2022. Collection method: clinical testing. Allele origin: germline. Inheritance: Autosomal recessive inheritance. Affected: yes.
Comment: This is a nonsynonymous variant in the COL4A3 gene (OMIM: 120070). Pathogenic variants in this gene have been associated with autosomal recessive COL4A3-related Alport spectrum. This variant has been reported in at least one affected individual (PMID:31328266) (PS4_Moderate). The alteration replaces a glycine residue in the repetitive Gly-X-Y sequence of the triple helical domain (amino acids 43-1438), which disrupts the structure of fibrillar collagen and is a common disease mechanism in collagenopathies (PMID: 30311386, 28098982) (PM1_Strong)\, ad multiple computational algorithms predict a deleterious effect for this variant (REVEL score: 0.952) (PP3). This variant is absent from control populations. Based on the current evidence, this variant is classified as likely pathogenic for autosomal recessive COL4A3-related Alport spectrum.

Women's Health and Genetics/Laboratory Corporation of America, LabCorp
Classification: Likely pathogenic for Autosomal recessive Alport syndrome. Last evaluated: 2023-07-21. Review status: criteria provided, single submitter. Criteria: LabCorp Variant Classification Summary - May 2015. Collection method: clinical testing. Allele origin: germline.
Comment: Variant summary: COL4A3 c.1150G>A (p.Gly384Arg) results in a non-conservative amino acid change located in the triple helix repeat region (IPR008160) of the encoded protein sequence. Five of five in-silico tools predict a damaging effect of the variant on protein function. As the variant alters a conserved nucleotide located at the last position of exon 20, several computational tools predict a significant impact on normal splicing: One predicts the variant abolishes the canonical 5' splicing donor site and two predict the variant weakens the canonical 5' splicing donor site. However, these predictions have yet to be confirmed by functional studies. The variant was absent in 248878 control chromosomes (gnomAD). c.1150G>A has been reported in the literature in the heterozygous state in an individual affected with Alport Syndrome (Rao_2019). The father of the proband was also heterozygous for the variant, but his clinical status was not reported and therefore the inheritance pattern (dominant vs recessive) in this family is unknown. The authors reported a classification as "uncertain significance". To our knowledge, no experimental evidence demonstrating an impact on protein function has been reported. However, alterations of glycine residues within the collagen triple-helix are common mechanisms of disease. The following publication has been ascertained in the context of this evaluation (PMID: 31328266). No submitters have cited clinical-significance assessments for this variant to ClinVar after 2014. Based on the evidence outlined above, the variant was classified as likely pathogenic.

Department of Nephrology, Rheumatology and Immunology, Shanghai Children's Hospital
Classification: Uncertain significance for Autosomal dominant Alport syndrome. Last evaluated: 2016-03-16. Review status: criteria provided, single submitter. Criteria: ACMG Guidelines, 2015. Collection method: clinical testing. Allele origin: paternal. Affected: yes. Observed: 1 variant allele.
Comment: The NM_000091.5(COL4A3):c.1150G>A (p.Gly384Arg) is a missense variant located in a Gly-X-Y repeat of the collagenous domain of COL4A3. This variant is reported to have an extremely low frequency in the gnomAD v3.1.2 (GRCh38) population database (PM2). Computational tools (SIFT and PolyPhen) provide conflicting predictions regarding the impact of this variant on protein function; therefore, PP3 was not applied. In summary, this variant meets criteria to be classified as Uncertain Significance for Alport syndrome based on the ACMG/AMP 2015 criteria applied: PM2, PP1, PP4.

Literature cited by the submitters: PubMed 31328266 (cited by Variantyx, Inc. and Women's Health and Genetics/Laboratory Corporation of America, LabCorp); PubMed 28098982 (cited by Variantyx, Inc.).